The following is an entry in ClinVar:

NM_001009931.3(HRNR):c.2880C>T (p.His960=)

Genes: CCDST (cervical cancer associated DHX9 suppressive transcript; plus strand), HRNR (hornerin; minus strand). Cytogenetic location: 1q21.3.
Variant type: single nucleotide variant.
Coding change: c.2880C>T on transcript NM_001009931.3 (MANE Select); coding-DNA position 2880, C replaced by T.
Protein change: p.His960=; no amino-acid change (histidine 960 retained).
Molecular consequence: synonymous variant.
Genome position (GRCh38, 1-based): chr1:152,218,749, G>A on the plus strand (C>T on the coding strand, the complement: HRNR is on the minus strand). VCF-style: chr1-152218749-G-A. GRCh37 (hg19) VCF-style: chr1-152191225-G-A.
Identifiers: ClinVar variation 2639208 (VCV002639208.24), dbSNP rs147277587, ClinGen allele CA1101345.
Genomic context (GRCh38, chr1:152,218,749, plus strand): 5'-AGACGAACCTGAGCTAGATCCATGTTGTTCGCTCCTAGATGACTGTCCTGACCTAGAGCC[G>A]TGTTGTTCGTAGCTGGAGGAGTGACCTGAGCCAGATCCATGCTGAGTGTAACCAGAGGAC-3'
Protein context (NP_001009931.1, residues 950-970): GSGHSSSYEQ[His960=]GSRSGQSSRS

ClinVar aggregate classification (germline): Likely benign (1 of 4 stars; one submission).

Allele frequency attached by ClinVar (database versions not stated): 1000 Genomes Project 30x 0.00031; 1000 Genomes Project 0.00040; gnomAD 0.00055; ESP Exome Variant Server 0.00062; ExAC 0.00094.
gnomAD v4.1: 1,367 of 1,613,676 alleles (0.085%); highest among the groups gnomAD compares: South Asian, 0.23%; 8 homozygotes.

Submission:

CeGaT Center for Human Genetics Tuebingen
Classification: Likely benign. Last evaluated: 2023-01-01. Review status: criteria provided, single submitter. Criteria: CeGaT Center For Human Genetics Tuebingen Variant Classification Criteria Version 2. Collection method: clinical testing. Allele origin: germline. Affected: yes. Observed: 1 variant allele.
Comment: HRNR: BP4, BP7